The following is an entry in ClinVar:

ClinVar aggregate classification (germline): Uncertain significance. Review status: criteria provided, multiple submitters, no conflicts (2 of 4 stars). 2 submissions from 2 submitters: Uncertain significance (2). Last evaluated 2025-11-23.

Conditions:
Renal cell carcinoma. Identifiers: Orphanet 217071, MedGen C0007134, MeSH D002292, MONDO:0005086, HP:0005584.
Hereditary cancer-predisposing syndrome. Also called: Hereditary Cancer Syndrome; Hereditary neoplastic syndrome; Neoplastic Syndromes, Hereditary; Tumor predisposition. Identifiers: Orphanet 140162, MedGen C0027672, MeSH D009386, MONDO:0015356.

Submissions (2):

Ambry Genetics
Classification: Uncertain significance for Hereditary cancer-predisposing syndrome. Last evaluated: 2025-11-23. Review status: criteria provided, single submitter. Criteria: Ambry Variant Classification Scheme 2023. Collection method: clinical testing. Allele origin: germline.
Comment: The p.H1086Q variant (also known as c.3258T>A), located in coding exon 14 of the MET gene, results from a T to A substitution at nucleotide position 3258. The histidine at codon 1086 is replaced by glutamine, an amino acid with highly similar properties. This amino acid position is conserved. In addition, the in silico prediction for this alteration is inconclusive. Based on the available evidence, the clinical significance of this variant remains unclear.

Labcorp Genetics (formerly Invitae), Labcorp
Classification: Uncertain significance for Renal cell carcinoma. Last evaluated: 2020-01-01. Review status: criteria provided, single submitter. Criteria: Invitae Variant Classification Sherloc (09022015). Collection method: clinical testing. Allele origin: germline.
Comment: In summary, this variant is a novel missense change with uncertain impact on protein function. It has been classified as a Variant of Uncertain Significance. Algorithms developed to predict the effect of missense changes on protein structure and function do not agree on the potential impact of this missense change (SIFT: "Deleterious"; PolyPhen-2: "Probably Damaging"; Align-GVGD: "Class C0"). This variant is not present in population databases (ExAC no frequency) and has not been reported in the literature in individuals with a MET-related disease. This sequence change replaces histidine with glutamine at codon 1086 of the MET protein (p.His1086Gln). The histidine residue is highly conserved and there is a small physicochemical difference between histidine and glutamine.

NM_000245.4(MET):c.3204T>A (p.His1068Gln)

Gene: MET (MET proto-oncogene, receptor tyrosine kinase; plus strand). Cytogenetic location: 7q31.2.
Variant type: single nucleotide variant.
Coding change: c.3204T>A on transcript NM_000245.4 (MANE Select); coding-DNA position 3204, T replaced by A.
Protein change: p.His1068Gln; replaces histidine 1068 with glutamine.
Molecular consequence: missense variant.
Genome position (GRCh38, 1-based): chr7:116,775,056, T>A. VCF-style: chr7-116775056-T-A. GRCh37 (hg19) VCF-style: chr7-116415110-T-A.
Other names: c.3258T>A (LRG_662t1); c.3258T>A, p.His1086Gln (NM_001127500.3); c.1914T>A, p.His638Gln (NM_001324402.2); short protein forms H1086Q, H1068Q, H638Q.
Identifiers: ClinVar variation 454236 (VCV000454236.11), dbSNP rs1397743069, ClinGen allele CA368988625.